The following is an entry in ClinVar:

ClinVar aggregate classification (germline): Likely pathogenic (1 of 4 stars; one submission).

Conditions:
Long QT syndrome 11 (LQT11). Identifiers: Orphanet 101016, Orphanet 768, MedGen C2678483, MONDO:0012738, OMIM 611820.

Submission:

Human Genetics Bochum, Ruhr University Bochum
Classification: Likely pathogenic for Long QT syndrome 11. Last evaluated: 2025-11-17. Review status: criteria provided, single submitter. Criteria: ACMG Guidelines, 2015. Collection method: clinical testing. Allele origin: germline. Affected: yes.
Comment: ACMG criteria used to clasify this variant: PVS1_STR, PS4_SUP, PM2_SUP

NM_005751.5(AKAP9):c.571C>T (p.Gln191Ter)

Gene: AKAP9 (A-kinase anchoring protein 9; plus strand). Cytogenetic location: 7q21.2.
Variant type: single nucleotide variant.
Coding change: c.571C>T on transcript NM_005751.5 (MANE Select); coding-DNA position 571, C replaced by T.
Protein change: p.Gln191Ter; replaces glutamine 191 with a stop codon.
Molecular consequence: nonsense.
Genome position (GRCh38, 1-based): chr7:91,993,050, C>T. VCF-style: chr7-91993050-C-T. GRCh37 (hg19) VCF-style: chr7-91622364-C-T.
Other names: c.571C>T, p.Gln191Ter (NM_147185.3); short protein forms Q191*.
Identifiers: ClinVar variation 4687971 (VCV004687971.1).
Genomic context (GRCh38, chr7:91,993,050, plus strand): 5'-ATTGAAGAGCTAAACAGAGAGCTGGAAGAAATGAGGGTTACCTATGGGACTGAAGGACTG[C>T]AGCAGGTATGTTTATTTTCTGTGGCTTTTGATTTGCTACTCACAAAAACAAAAACAGGAA-3'